The following is an entry in ClinVar:

ClinVar aggregate classification (germline): Uncertain significance. Review status: criteria provided, multiple submitters, no conflicts (2 of 4 stars). 2 submissions from 2 submitters: Uncertain significance (2). Last evaluated 2024-07-14.

Conditions:
Hypercholesterolemia, autosomal dominant, 3 (FHCL3). Also called: Familial Hypercholesterolemia, Autosomal Dominant, 3; PCSK9-Related Familial Hypercholesterolemia, Autosomal Dominant; Familial hypercholesterolemia 3. Identifiers: MedGen C1863551, MONDO:0011369, OMIM 603776.
Cardiovascular phenotype. Identifiers: MedGen CN230736.

Allele frequency attached by ClinVar (database versions not stated): gnomAD exomes below 0.00001; TOPMed below 0.00001.
gnomAD v4.1: 2 of 1,566,294 alleles (0.00013%); highest among the groups gnomAD compares: Admixed American, 0.0038%; no homozygotes.

Submissions (2):

Ambry Genetics
Classification: Uncertain significance for Cardiovascular phenotype. Last evaluated: 2024-07-14. Review status: criteria provided, single submitter. Criteria: Ambry Variant Classification Scheme 2023. Collection method: clinical testing. Allele origin: germline.
Comment: The p.A511P variant (also known as c.1531G>C), located in coding exon 10 of the PCSK9 gene, results from a G to C substitution at nucleotide position 1531. The alanine at codon 511 is replaced by proline, an amino acid with highly similar properties. This amino acid position is conserved. In addition, the in silico prediction for this alteration is inconclusive. Based on the available evidence, the clinical significance of this variant remains unclear.

All of Us Research Program, National Institutes of Health
Classification: Uncertain significance for Hypercholesterolemia, autosomal dominant, 3. Last evaluated: 2023-04-27. Review status: criteria provided, single submitter. Criteria: ACMG Guidelines, 2015. Collection method: clinical testing. Allele origin: germline. Inheritance: Autosomal dominant inheritance. Observed: 1 variant allele, 1 heterozygote.
Comment: This study involves interpretation of variants in research participants for the purpose of population health screening. Participant phenotype was not available at the time of variant classification. Additional details can be found in publication PMID: 35346344, PMCID: PMC8962531

NM_174936.4(PCSK9):c.1531G>C (p.Ala511Pro)

Gene: PCSK9 (proprotein convertase subtilisin/kexin type 9; plus strand). Cytogenetic location: 1p32.3.
Variant type: single nucleotide variant.
Coding change: c.1531G>C on transcript NM_174936.4 (MANE Select); coding-DNA position 1531, G replaced by C.
Protein change: p.Ala511Pro; replaces alanine 511 with proline.
Molecular consequence: missense variant. On other transcripts: non-coding transcript variant (7), intron variant (1).
Genome position (GRCh38, 1-based): chr1:55,059,513, G>C. VCF-style: chr1-55059513-G-C. GRCh37 (hg19) VCF-style: chr1-55525186-G-C.
Other names: c.1474G>C, p.Ala492Pro (NM_001407243.1); c.1357G>C, p.Ala453Pro (NM_001407244.1); c.1339G>C, p.Ala447Pro (NM_001407245.1); c.1654G>C, p.Ala552Pro (NM_001407240.1); c.1573G>C, p.Ala525Pro (NM_001407241.1); c.1534G>C, p.Ala512Pro (NM_001407242.1); c.1156G>C, p.Ala386Pro (NM_001407246.1); c.1181-1862G>C (NM_001407247.1); short protein forms A386P, A447P, A453P, A492P, A511P, A512P, A525P, A552P.
Identifiers: ClinVar variation 3070616 (VCV003070616.2), dbSNP rs866944660, ClinGen allele CA340479687.